The following is an entry in ClinVar:

ClinVar aggregate classification (germline): Conflicting classifications of pathogenicity. Review status: criteria provided, conflicting classifications (1 of 4 stars). 3 submissions from 3 submitters: Uncertain significance (1); Likely benign (1). 1 of the submissions does not count toward it. Last evaluated 2025-12-21.

Conditions:
Nonimmune chronic idiopathic neutropenia of adults. Identifiers: Orphanet 2688, MedGen C1842930, MONDO:0011922, OMIM 607847.
Neutropenia, severe congenital, 2, autosomal dominant. Identifiers: Orphanet 486, MedGen C2751288, MONDO:0013139, OMIM 613107.

Allele frequency attached by ClinVar (database versions not stated): ExAC 0.00003; gnomAD exomes 0.00003 and 0.00006; TOPMed 0.00003; gnomAD 0.00004 and 0.00005.
gnomAD v4.1: 93 of 1,614,136 alleles (0.0058%); highest among the groups gnomAD compares: Middle Eastern, 0.082%; no homozygotes.

Submissions (3):

Labcorp Genetics (formerly Invitae), Labcorp
Classification: Uncertain significance for Neutropenia, severe congenital, 2, autosomal dominant. Last evaluated: 2025-12-21. Review status: criteria provided, single submitter. Criteria: Invitae Variant Classification Sherloc (09022015). Collection method: clinical testing. Allele origin: germline.
Comment: This sequence change replaces lysine, which is basic and polar, with arginine, which is basic and polar, at codon 403 of the GFI1 protein (p.Lys403Arg). This variant is present in population databases (rs28936382, gnomAD 0.004%). This missense change has been observed in individual(s) with neutropenia (PMID: 12778173). ClinVar contains an entry for this variant (Variation ID: 8740). Invitae Evidence Modeling of protein sequence and biophysical properties (such as structural, functional, and spatial information, amino acid conservation, physicochemical variation, residue mobility, and thermodynamic stability) indicates that this missense variant is not expected to disrupt GFI1 protein function with a negative predictive value of 80%. In summary, the available evidence is currently insufficient to determine the role of this variant in disease. Therefore, it has been classified as a Variant of Uncertain Significance.

Mendelics
Classification: Likely benign for Neutropenia, severe congenital, 2, autosomal dominant. Last evaluated: 2019-05-28. Review status: criteria provided, single submitter. Criteria: Mendelics Assertion Criteria 2017. Collection method: clinical testing. Allele origin: unknown.

OMIM
Classification: Pathogenic for NEUTROPENIA, NONIMMUNE CHRONIC IDIOPATHIC, OF ADULTS (1 patient). Last evaluated: 2003-07-01. Review status: no assertion criteria provided. Collection method: literature only. Allele origin: germline. Not counted in ClinVar's aggregate classification.

Literature cited by the submitters: PubMed 12778173 (cited by Labcorp Genetics (formerly Invitae), Labcorp and OMIM); PubMed 11807637 (cited by OMIM).

NM_005263.5(GFI1):c.1208A>G (p.Lys403Arg)

Genes: GFI1 (growth factor independent 1 transcriptional repressor; minus strand), LOC129930930 (ATAC-STARR-seq lymphoblastoid active region 1314; plus strand). Cytogenetic location: 1p22.1.
Variant type: single nucleotide variant.
Coding change: c.1208A>G on transcript NM_005263.5 (MANE Select); coding-DNA position 1208, A replaced by G.
Protein change: p.Lys403Arg; replaces lysine 403 with arginine.
Molecular consequence: missense variant.
Genome position (GRCh38, 1-based): chr1:92,476,090, T>C on the plus strand (A>G on the coding strand, the complement: GFI1 is on the minus strand). VCF-style: chr1-92476090-T-C. GRCh37 (hg19) VCF-style: chr1-92941647-T-C.
Other names: c.1208A>G, p.Lys403Arg (NM_001127215.3, NM_001127216.3); short protein forms K403R.
Identifiers: ClinVar variation 8740 (VCV000008740.7), dbSNP rs28936382, ClinGen allele CA119875.